The following is an entry in ClinVar:

NM_032119.4(ADGRV1):c.2478G>A (p.Thr826=)

Gene: ADGRV1 (adhesion G protein-coupled receptor V1; plus strand). Cytogenetic location: 5q14.3.
Variant type: single nucleotide variant.
Coding change: c.2478G>A on transcript NM_032119.4 (MANE Select); coding-DNA position 2478, G replaced by A.
Protein change: p.Thr826=; no amino-acid change (threonine 826 retained).
Molecular consequence: synonymous variant. On other transcripts: non-coding transcript variant (1).
Genome position (GRCh38, 1-based): chr5:90,642,966, G>A. VCF-style: chr5-90642966-G-A. GRCh37 (hg19) VCF-style: chr5-89938783-G-A.
Other names: c.2478G>A (NM_032119.3).
Identifiers: ClinVar variation 1143809 (VCV001143809.34), dbSNP rs187877050, ClinGen allele CA3338942.

ClinVar aggregate classification (germline): Likely benign. Review status: criteria provided, multiple submitters, no conflicts (2 of 4 stars). 4 submissions from 4 submitters: Likely benign (4). Last evaluated 2025-02-03.

Conditions:
Inborn genetic diseases. Identifiers: MedGen C0950123, MeSH D030342.

Allele frequency attached by ClinVar (database versions not stated): gnomAD exomes 0.00001 and 0.00005; TOPMed 0.00002; ExAC 0.00003; gnomAD 0.00004; 1000 Genomes Project 30x 0.00031; 1000 Genomes Project 0.00040.
gnomAD v4.1: 28 of 1,613,496 alleles (0.0017%); highest among the groups gnomAD compares: Middle Eastern, 0.016%; no homozygotes.

Submissions (4):

Labcorp Genetics (formerly Invitae), Labcorp
Classification: Likely benign. Last evaluated: 2025-02-03. Review status: criteria provided, single submitter. Criteria: Invitae Variant Classification Sherloc (09022015). Collection method: clinical testing. Allele origin: germline.

Ambry Genetics
Classification: Likely benign for Inborn genetic diseases. Last evaluated: 2024-10-07. Review status: criteria provided, single submitter. Criteria: Ambry Variant Classification Scheme 2023. Collection method: clinical testing. Allele origin: germline.

CeGaT Center for Human Genetics Tuebingen
Classification: Likely benign. Last evaluated: 2023-06-01. Review status: criteria provided, single submitter. Criteria: CeGaT Center For Human Genetics Tuebingen Variant Classification Criteria Version 2. Collection method: clinical testing. Allele origin: germline. Affected: yes. Observed: 1 variant allele.
Comment: ADGRV1: BP4, BP7

Blueprint Genetics
Classification: Likely benign. Last evaluated: 2022-10-27. Review status: criteria provided, single submitter. Criteria: ACMG Guidelines, 2015. Collection method: clinical testing. Allele origin: germline.